The following is an entry in ClinVar:

ClinVar aggregate classification (germline): Uncertain significance (1 of 4 stars; one submission).

Submission:

Ambry Genetics
Classification: Uncertain significance. Last evaluated: 2024-03-14. Review status: criteria provided, single submitter. Criteria: Ambry Variant Classification Scheme 2023. Collection method: clinical testing. Allele origin: germline.
Comment: The p.P12Q variant (also known as c.35C>A), located in coding exon 1 of the BUB3 gene, results from a C to A substitution at nucleotide position 35. The proline at codon 12 is replaced by glutamine, an amino acid with similar properties. This amino acid position is conserved. In addition, this alteration is predicted to be tolerated by in silico analysis. Since supporting evidence is limited at this time, the clinical significance of this alteration remains unclear.

NM_004725.4(BUB3):c.35C>A (p.Pro12Gln)

Gene: BUB3 (BUB3 mitotic checkpoint protein; plus strand). Cytogenetic location: 10q26.13.
Variant type: single nucleotide variant.
Coding change: c.35C>A on transcript NM_004725.4 (MANE Select); coding-DNA position 35, C replaced by A.
Protein change: p.Pro12Gln; replaces proline 12 with glutamine.
Molecular consequence: missense variant.
Genome position (GRCh38, 1-based): chr10:123,154,952, C>A. VCF-style: chr10-123154952-C-A. GRCh37 (hg19) VCF-style: chr10-124914468-C-A.
Other names: c.35C>A, p.Pro12Gln (NM_001007793.3); short protein forms P12Q.
Identifiers: ClinVar variation 1733066 (VCV001733066.2), dbSNP rs1451424237, ClinGen allele CA378624804.